The following is an entry in ClinVar:

NM_001283009.2(RTEL1):c.2348TCT[1] (p.Phe784del)

Genes: RTEL1-TNFRSF6B (RTEL1-TNFRSF6B readthrough (NMD candidate); plus strand), RTEL1 (regulator of telomere elongation helicase 1; plus strand). Cytogenetic location: 20q13.33.
Variant type: Microsatellite.
Coding change: c.2348TCT[1] on transcript NM_001283009.2 (MANE Select); one copy of the 3-base unit TCT starting at c.2348; the reference has two copies in a row; one copy, 3 bases deleted; also written c.2351_2353del.
Protein change: p.Phe784del; deletes phenylalanine 784.
Molecular consequence: inframe deletion. On other transcripts: non-coding transcript variant (1).
Genome position (GRCh38, 1-based): chr20:63,690,379-63,690,381, TCT deleted; deleting any 3 consecutive bases within chr20:63,690,374-63,690,381 gives the same sequence; the position shown is the placement nearest the transcript's 3' end. VCF-style (leftmost placement, unchanged base first): chr20-63690373-CCTT-C. GRCh37 (hg19) VCF-style: chr20-62321726-CCTT-C.
Other names: c.2351_2353del (NM_001283009.1, NM_001283009.2); c.2423_2425del (NM_032957.5); c.1679TCT[1], p.Phe561del (NM_001283010.1); c.2348TCT[1], p.Phe784del (NM_016434.4); c.2420TCT[1], p.Phe808del (NM_032957.5); c.2423_2425delTCT (NM_032957.4); short protein forms F784del, F808del, F561del.
Identifiers: ClinVar variation 552426 (VCV000552426.11), dbSNP rs771771098, ClinGen allele CA9965295.

ClinVar aggregate classification (germline): Uncertain significance. Review status: criteria provided, multiple submitters, no conflicts (2 of 4 stars). 4 submissions from 4 submitters: Uncertain significance (2). 2 of the submissions do not count toward it. Last evaluated 2025-08-24.

Conditions:
Dyskeratosis congenita. Identifiers: Orphanet 1775, MedGen C0265965, MONDO:0015780.
Dyskeratosis congenita, autosomal recessive 5 (DKCB5). Identifiers: MedGen C3554656, MONDO:0014076, OMIM 615190.
Pulmonary fibrosis and/or bone marrow failure, Telomere-related, 3. Also called: PULMONARY FIBROSIS AND/OR BONE MARROW FAILURE SYNDROME, TELOMERE-RELATED, 3. Identifiers: Orphanet 2032, MedGen C4225346, MONDO:0014613, OMIM 616373.

Submissions (4):

Labcorp Genetics (formerly Invitae), Labcorp
Classification: Uncertain significance for Dyskeratosis congenita, autosomal recessive 5; Pulmonary fibrosis and/or bone marrow failure, Telomere-related, 3. Last evaluated: 2025-08-24. Review status: criteria provided, single submitter. Criteria: Invitae Variant Classification Sherloc (09022015). Collection method: clinical testing. Allele origin: germline.
Comment: This variant, c.2351_2353del, results in the deletion of 1 amino acid(s) of the RTEL1 protein (p.Phe784del), but otherwise preserves the integrity of the reading frame. This variant is present in population databases (rs771771098, gnomAD 0.003%). This variant has not been reported in the literature in individuals affected with RTEL1-related conditions. ClinVar contains an entry for this variant (Variation ID: 552426). Experimental studies and prediction algorithms are not available or were not evaluated, and the functional significance of this variant is currently unknown. In summary, the available evidence is currently insufficient to determine the role of this variant in disease. Therefore, it has been classified as a Variant of Uncertain Significance.

Neuberg Centre For Genomic Medicine, NCGM
Classification: Uncertain significance for Dyskeratosis congenita, autosomal recessive 5. Review status: criteria provided, single submitter. Criteria: ACMG Guidelines, 2015. Collection method: clinical testing. Allele origin: germline. Inheritance: Autosomal dominant inheritance. Affected: yes.
Comment: The observed inframe deletion variant c.2351_2353del(p.Phe784del) in RTEL1 gene has not been reported previously as a pathogenic variant nor as a benign variant, to our knowledge. The c.2351_2353del variant is reported with 0.002% allele frequency in gnomAD Exomes. This variant has been reported to the ClinVar database as Uncertain Significance. However, study on multiple affected individuals and functional impact of the variant is not available. This p.Phe784del causes deletion of amino acid Phenylalanine at position 784. For these reasons, this variant has been classified as Uncertain Significance.

Natera, Inc.
Classification: Uncertain significance for Dyskeratosis congenita. Last evaluated: 2019-11-11. Review status: no assertion criteria provided. Collection method: clinical testing. Allele origin: germline. Not counted in ClinVar's aggregate classification.

Counsyl
Classification: Uncertain significance for Dyskeratosis congenita, autosomal recessive 5. Last evaluated: 2017-06-16. Review status: no assertion criteria provided. Collection method: clinical testing. Allele origin: unknown. Not counted in ClinVar's aggregate classification.